The following is an entry in ClinVar:

NM_000552.5(VWF):c.8273C>T (p.Ala2758Val)

Gene: VWF (von Willebrand factor; minus strand). Cytogenetic location: 12p13.31.
Variant type: single nucleotide variant.
Coding change: c.8273C>T on transcript NM_000552.5 (MANE Select); coding-DNA position 8273, C replaced by T.
Protein change: p.Ala2758Val; replaces alanine 2758 with valine.
Molecular consequence: missense variant.
Genome position (GRCh38, 1-based): chr12:5,949,184, G>A on the plus strand (C>T on the coding strand, the complement: VWF is on the minus strand). VCF-style: chr12-5949184-G-A. GRCh37 (hg19) VCF-style: chr12-6058350-G-A.
Other names: NM_000552.5(VWF):c.8273C>T; p.Ala2758Val; short protein forms A2758V.
Identifiers: ClinVar variation 619760 (VCV000619760.6), dbSNP rs144542595, ClinGen allele CA6401340.

ClinVar aggregate classification (germline): Likely benign. Review status: reviewed by expert panel (3 of 4 stars). 3 submissions from 3 submitters: Likely benign (1). 2 of the submissions do not count toward it. Last evaluated 2025-06-03.

Conditions:
Hereditary von Willebrand disease. Identifiers: Orphanet 903, MedGen C5703318, MONDO:0019565. Inheritance: Autosomal recessive or Autosomal dominant.

Allele frequency attached by ClinVar (database versions not stated): gnomAD exomes 0.00001 and 0.00002; ExAC 0.00002; gnomAD 0.00007 and 0.00008; TOPMed 0.00013; ESP Exome Variant Server 0.00023.
gnomAD v4.1: 19 of 1,614,024 alleles (0.0012%); highest among the groups gnomAD compares: African/African-American, 0.024%; no homozygotes.

Submissions (3):

ClinGen von Willebrand Disease Variant Curation Expert Panel, ClinGen
Classification: Likely benign for Hereditary von Willebrand disease. Last evaluated: 2025-06-03. Review status: reviewed by expert panel. Criteria: ClinGen VWD 2A B M Rules. Collection method: curation. Allele origin: germline.
Comment: The NM_000552.5(VWF):c.8273C>T (p.Ala2758Val) missense variant has a REVEL score of 0.11, which is below the ClinGen VWD VCEP threshold of <0.290 and does not predict a damaging effect on VWF function (BP4). Additionally, the computational splicing predictor SpliceAI indicated that the variant has no impact on splicing (delta scores 0.00). The Grpmax filtering allele frequency in gnomAD v4.1 is 0.0001546 (based on 18/74954 alleles in the African/African-American population). This intermediate allele frequency is lower than the ClinGen VWD VCEP threshold (>0.01) for BS1 but higher than the threshold for PM2_Supporting (<0.0001). No VWD patient has been identified with this variant. In summary, this variant meets the criteria to be classified as likely benign for hereditary VWD based on the application of ACMG/AMP criteria applied, as specified by the ClinGen VWD VCEP: BP4.

Johns Hopkins Genomics, Johns Hopkins University
Classification: Likely benign. Last evaluated: 2021-07-02. Review status: criteria provided, single submitter. Criteria: ACMG Guidelines, 2015. Collection method: clinical testing. Allele origin: germline. Not counted in ClinVar's aggregate classification.

Quest Diagnostics Nichols Institute San Juan Capistrano
Classification: Uncertain significance. Last evaluated: 2017-10-31. Review status: criteria provided, single submitter. Criteria: Quest Diagnostics criteria. Collection method: clinical testing. Allele origin: germline. Not counted in ClinVar's aggregate classification.